The following is an entry in ClinVar:

NM_001085487.3(MYSM1):c.908A>G (p.Asn303Ser)

Gene: MYSM1 (Myb like, SWIRM and MPN domains 1; minus strand). Cytogenetic location: 1p32.1.
Variant type: single nucleotide variant.
Coding change: c.908A>G on transcript NM_001085487.3 (MANE Select); coding-DNA position 908, A replaced by G.
Protein change: p.Asn303Ser; replaces asparagine 303 with serine.
Molecular consequence: missense variant.
Genome position (GRCh38, 1-based): chr1:58,682,136, T>C on the plus strand (A>G on the coding strand, the complement: MYSM1 is on the minus strand). VCF-style: chr1-58682136-T-C. GRCh37 (hg19) VCF-style: chr1-59147808-T-C.
Other names: short protein forms N303S.
Identifiers: ClinVar variation 1408343 (VCV001408343.8), dbSNP rs1336529303, ClinGen allele CA340526858.

ClinVar aggregate classification (germline): Uncertain significance (1 of 4 stars; one submission).

Allele frequency attached by ClinVar (database versions not stated): gnomAD exomes below 0.00001; TOPMed below 0.00001; gnomAD 0.00001.
gnomAD v4.1: 2 of 1,613,690 alleles (0.00012%); highest among the groups gnomAD compares: Non-Finnish European, 0.00017%; no homozygotes.

Submission:

Labcorp Genetics (formerly Invitae), Labcorp
Classification: Uncertain significance. Last evaluated: 2021-07-18. Review status: criteria provided, single submitter. Criteria: Invitae Variant Classification Sherloc (09022015). Collection method: clinical testing. Allele origin: germline.
Comment: This sequence change replaces asparagine with serine at codon 303 of the MYSM1 protein (p.Asn303Ser). The asparagine residue is weakly conserved and there is a small physicochemical difference between asparagine and serine. This variant is not present in population databases (ExAC no frequency). In summary, the available evidence is currently insufficient to determine the role of this variant in disease. Therefore, it has been classified as a Variant of Uncertain Significance. Algorithms developed to predict the effect of missense changes on protein structure and function output the following: SIFT: "Tolerated"; PolyPhen-2: "Benign"; Align-GVGD: "Class C0". The serine amino acid residue is found in multiple mammalian species, which suggests that this missense change does not adversely affect protein function. This variant has not been reported in the literature in individuals affected with MYSM1-related conditions.